The following is an entry in ClinVar:

ClinVar aggregate classification (germline): Uncertain significance (1 of 4 stars; one submission).

Conditions:
Congenital myasthenic syndrome 9. Also called: Myasthenic syndrome, congenital, 9, associated with acetylcholine receptor deficiency. Identifiers: Orphanet 590, MedGen C4225368, MONDO:0014587, OMIM 616325.
Fetal akinesia deformation sequence 1 (FADS1). Also called: Fetal akinesia sequence; Pena-Shokeir syndrome type I. Identifiers: Orphanet 994, MedGen C1276035, MONDO:0100101, OMIM 208150, HP:0001989.

gnomAD v4.1: 1 of 1,613,880 alleles (0.000062%); highest among the groups gnomAD compares: African/African-American, 0.0013%; no homozygotes.

Submission:

Labcorp Genetics (formerly Invitae), Labcorp
Classification: Uncertain significance for Congenital myasthenic syndrome 9; Fetal akinesia deformation sequence 1. Last evaluated: 2025-09-29. Review status: criteria provided, single submitter. Criteria: Invitae Variant Classification Sherloc (09022015). Collection method: clinical testing. Allele origin: germline.
Comment: This sequence change replaces cysteine, which is neutral and slightly polar, with serine, which is neutral and polar, at codon 406 of the MUSK protein (p.Cys406Ser). This variant is present in population databases (no rsID available, gnomAD 0.007%). This variant has not been reported in the literature in individuals affected with MUSK-related conditions. Invitae Evidence Modeling of protein sequence and biophysical properties (such as structural, functional, and spatial information, amino acid conservation, physicochemical variation, residue mobility, and thermodynamic stability) indicates that this missense variant is expected to disrupt MUSK protein function with a positive predictive value of 80%. In summary, the available evidence is currently insufficient to determine the role of this variant in disease. Therefore, it has been classified as a Variant of Uncertain Significance.

NM_005592.4(MUSK):c.1217G>C (p.Cys406Ser)

Gene: MUSK (muscle associated receptor tyrosine kinase; plus strand). Cytogenetic location: 9q31.3.
Variant type: single nucleotide variant.
Coding change: c.1217G>C on transcript NM_005592.4 (MANE Select); coding-DNA position 1217, G replaced by C.
Protein change: p.Cys406Ser; replaces cysteine 406 with serine.
Molecular consequence: missense variant. On other transcripts: 5 prime UTR variant (1).
Genome position (GRCh38, 1-based): chr9:110,775,820, G>C. VCF-style: chr9-110775820-G-C. GRCh37 (hg19) VCF-style: chr9-113538100-G-C.
Other names: c.983G>C, p.Cys328Ser (NM_001166280.2); c.953G>C, p.Cys318Ser (NM_001166281.2); c.-20G>C (NM_001369398.1); short protein forms C328S, C406S, C318S.
Identifiers: ClinVar variation 4787648 (VCV004787648.1).